The following is an entry in ClinVar:

NM_182961.4(SYNE1):c.23243C>G (p.Ser7748Cys)

Gene: SYNE1 (spectrin repeat containing nuclear envelope protein 1; minus strand). Cytogenetic location: 6q25.2.
Variant type: single nucleotide variant.
Coding change: c.23243C>G on transcript NM_182961.4 (MANE Select); coding-DNA position 23243, C replaced by G.
Protein change: p.Ser7748Cys; replaces serine 7748 with cysteine.
Molecular consequence: missense variant.
Genome position (GRCh38, 1-based): chr6:152,189,310, G>C on the plus strand (C>G on the coding strand, the complement: SYNE1 is on the minus strand). VCF-style: chr6-152189310-G-C. GRCh37 (hg19) VCF-style: chr6-152510445-G-C.
Other names: c.23030C>G, p.Ser7677Cys (NM_033071.5); short protein forms S7677C, S7748C.
Identifiers: ClinVar variation 836454 (VCV000836454.14), dbSNP rs1289070478, ClinGen allele CA366094149.

ClinVar aggregate classification (germline): Uncertain significance. Review status: criteria provided, multiple submitters, no conflicts (2 of 4 stars). 2 submissions from 2 submitters: Uncertain significance (2). Last evaluated 2022-07-06.

Conditions:
Emery-Dreifuss muscular dystrophy 4, autosomal dominant (EDMD4). Also called: EMERY-DREIFUSS MUSCULAR DYSTROPHY 4 WITH VARIABLE FEATURES. Identifiers: Orphanet 261, MedGen C2751807, MONDO:0013071, OMIM 612998.
Autosomal recessive ataxia, Beauce type. Also called: Spinocerebellar ataxia, autosomal recessive 8; ATAXIA, RECESSIVE, OF BEAUCE; SYNE1-Related Autosomal Recessive Cerebellar Ataxia; SYNE1 Deficiency. Identifiers: Orphanet 88644, MedGen C1853116, MONDO:0012549, OMIM 610743.

Allele frequency attached by ClinVar (database versions not stated): gnomAD exomes below 0.00001; TOPMed below 0.00001; gnomAD 0.00001.
gnomAD v4.1: 2 of 1,613,882 alleles (0.00012%); highest among the groups gnomAD compares: Non-Finnish European, 0.00017%; no homozygotes.

Submissions (2):

Labcorp Genetics (formerly Invitae), Labcorp
Classification: Uncertain significance for Emery-Dreifuss muscular dystrophy 4, autosomal dominant; Autosomal recessive ataxia, Beauce type. Last evaluated: 2022-07-06. Review status: criteria provided, single submitter. Criteria: Invitae Variant Classification Sherloc (09022015). Collection method: clinical testing. Allele origin: germline.
Comment: This sequence change replaces serine, which is neutral and polar, with cysteine, which is neutral and slightly polar, at codon 7677 of the SYNE1 protein (p.Ser7677Cys). This variant is not present in population databases (gnomAD no frequency). This variant has not been reported in the literature in individuals affected with SYNE1-related conditions. ClinVar contains an entry for this variant (Variation ID: 836454). Algorithms developed to predict the effect of missense changes on protein structure and function (SIFT, PolyPhen-2, Align-GVGD) all suggest that this variant is likely to be disruptive. In summary, the available evidence is currently insufficient to determine the role of this variant in disease. Therefore, it has been classified as a Variant of Uncertain Significance.

Mayo Clinic Laboratories, Mayo Clinic
Classification: Uncertain significance. Last evaluated: 2020-02-18. Review status: criteria provided, single submitter. Criteria: ACMG Guidelines, 2015. Collection method: clinical testing. Allele origin: germline. Observed: 1 variant allele.